The following is an entry in ClinVar:

ClinVar aggregate classification (germline): Likely benign (1 of 4 stars; one submission).

gnomAD v4.1: 11 of 1,604,106 alleles (0.00069%); highest among the groups gnomAD compares: South Asian, 0.0023%; no homozygotes.

Submission:

CeGaT Center for Human Genetics Tuebingen
Classification: Likely benign. Last evaluated: 2026-07-01. Review status: criteria provided, single submitter. Criteria: CeGaT Center For Human Genetics Tuebingen Variant Classification Criteria Version 2. Collection method: clinical testing. Allele origin: germline. Affected: yes. Observed: 1 variant allele.
Comment: VPS37A: BP4

NM_152415.3(VPS37A):c.901-7C>T

Gene: VPS37A (VPS37A subunit of ESCRT-I; plus strand). Cytogenetic location: 8p22.
Variant type: single nucleotide variant.
Coding change: c.901-7C>T on transcript NM_152415.3 (MANE Select); 7 bases into the intron before coding-DNA position 901, C replaced by T.
Molecular consequence: intron variant.
Genome position (GRCh38, 1-based): chr8:17,280,368, C>T. VCF-style: chr8-17280368-C-T. GRCh37 (hg19) VCF-style: chr8-17137877-C-T.
Other names: c.631-25C>T (NM_001363172.2, NM_001363170.1, NM_001363171.1); c.901-7C>T (NM_001363173.2); c.631-7C>T (NM_001363168.1, NM_001363169.1); c.901-25C>T (NM_001363167.1); c.826-7C>T (NM_001145152.2).
Identifiers: ClinVar variation 5038781 (VCV005038781.1).